The following is an entry in ClinVar:

ClinVar aggregate classification (germline): Benign (1 of 4 stars; one submission).

Conditions:
MIAT-related disorder. Also called: MIAT-related condition.

Submission:

PreventionGenetics, part of Exact Sciences
Classification: Benign for MIAT-related condition. Last evaluated: 2019-08-26. Review status: criteria provided, single submitter. Criteria: ACMG Guidelines, 2015. Collection method: clinical testing. Allele origin: germline.
Comment: This variant is classified as benign based on ACMG/AMP sequence variant interpretation guidelines (Richards et al. 2015 PMID: 25741868, with internal and published modifications).

NR_033320.3(MIAT):n.5614A>T

Gene: MIAT (myocardial infarction associated transcript; plus strand). Cytogenetic location: 22q12.1.
Variant type: single nucleotide variant.
Molecular consequence: non-coding transcript variant (on NR_033320.3).
Genome position: GRCh38 VCF-style: chr22-26672088-A-T. GRCh37 (hg19) VCF-style: chr22-27068051-A-T.
Identifiers: ClinVar variation 3056598 (VCV003056598.1), dbSNP rs2517488263, ClinGen allele CA514073836.
Genomic context (GRCh38, chr22:26,672,088, plus strand): 5'-TCGATTACTAACCCGTCTAACCCCTGGGGTGCCTCAACTGCACCCCGATCATCCCTTAAC[A>T]AACTAACGGACCTGCGTGCGTTCTTCCTTTTCTCTTAGCGACTCCTGTGTGTGTCTGCTG-3'